The following is an entry in ClinVar:

ClinVar aggregate classification (germline): Uncertain significance. Review status: reviewed by expert panel (3 of 4 stars). 2 submissions from 2 submitters: Uncertain significance (1). 1 of the submissions does not count toward it. Last evaluated 2024-10-29.

Conditions:
Hereditary thrombocytopenia and hematologic cancer predisposition syndrome. Identifiers: Orphanet 71290, MedGen CN281654, MONDO:0011071.
Hereditary thrombocytopenia and hematological cancer predisposition syndrome associated with RUNX1. Also called: RUNX1 Familial Platelet Disorder with Associated Myeloid Malignancies; Familial Platelet Disorder with Propensity to Acute Myelogenous Leukemia; Familial thrombocytopenia with propensity to acute myelogenous leukemia; PLATELET DISORDER, ASPIRIN-LIKE. Identifiers: Orphanet 71290, MedGen C1832388, MeSH C563324, MONDO:0100083, OMIM 601399.

Allele frequency attached by ClinVar (database versions not stated): gnomAD exomes below 0.00001; ExAC 0.00001; gnomAD 0.00001.
gnomAD v4.1: 3 of 1,613,962 alleles (0.00019%); highest among the groups gnomAD compares: Admixed American, 0.0017%; no homozygotes.

Submissions (2):

ClinGen Myeloid Malignancy Variant Curation Expert Panel
Classification: Uncertain significance for Hereditary thrombocytopenia and hematologic cancer predisposition syndrome. Last evaluated: 2024-10-29. Review status: reviewed by expert panel. Criteria: ClinGen MyeloMalig ACMG Specifications v2. Collection method: curation. Allele origin: germline. Inheritance: Autosomal dominant inheritance.
Comment: NM_001754.5(RUNX1):c.464T>C (p.Val155Ala) is a missense variant which has a REVEL score ≥ 0.88 (0.942) (PP3). This variant affects one of the residues within the Runt Homology Domain (AA 89-204) but not in an established hotspot residue (PM1_Supporting). In summary, the clinical significance of this variant is uncertain. ACMG/AMP criteria applied, as specified by the Myeloid Malignancy Variant Curation Expert Panel for RUNX1: PP3, PM1_supporting.

Labcorp Genetics (formerly Invitae), Labcorp
Classification: Uncertain significance for Hereditary thrombocytopenia and hematological cancer predisposition syndrome associated with RUNX1. Last evaluated: 2024-04-23. Review status: criteria provided, single submitter. Criteria: Invitae Variant Classification Sherloc (09022015). Collection method: clinical testing. Allele origin: germline. Not counted in ClinVar's aggregate classification.
Comment: This sequence change replaces valine, which is neutral and non-polar, with alanine, which is neutral and non-polar, at codon 155 of the RUNX1 protein (p.Val155Ala). This variant is present in population databases (rs750866158, gnomAD 0.003%). This variant has not been reported in the literature in individuals affected with RUNX1-related conditions. ClinVar contains an entry for this variant (Variation ID: 1491218). Advanced modeling of protein sequence and biophysical properties (such as structural, functional, and spatial information, amino acid conservation, physicochemical variation, residue mobility, and thermodynamic stability) performed at Invitae indicates that this missense variant is expected to disrupt RUNX1 protein function with a positive predictive value of 80%. In summary, the available evidence is currently insufficient to determine the role of this variant in disease. Therefore, it has been classified as a Variant of Uncertain Significance.

NM_001754.5(RUNX1):c.464T>C (p.Val155Ala)

Genes: RUNX1 (RUNX family transcription factor 1; minus strand), RUNX1-AS1 (RUNX1 antisense RNA 1; plus strand). Cytogenetic location: 21q22.12.
Variant type: single nucleotide variant.
Coding change: c.464T>C on transcript NM_001754.5 (MANE Select); coding-DNA position 464, T replaced by C.
Protein change: p.Val155Ala; replaces valine 155 with alanine.
Molecular consequence: missense variant.
Genome position (GRCh38, 1-based): chr21:34,880,601, A>G on the plus strand (T>C on the coding strand, the complement: RUNX1 is on the minus strand). VCF-style: chr21-34880601-A-G. GRCh37 (hg19) VCF-style: chr21-36252898-A-G.
Other names: NM_001754.5(RUNX1):c.464T>C; p.Val155Ala; c.383T>C, p.Val128Ala (NM_001001890.3, NM_001122607.2); short protein forms V155A, V128A.
Identifiers: ClinVar variation 1491218 (VCV001491218.9), dbSNP rs750866158, ClinGen allele CA10014507.